The following is an entry in ClinVar:

ClinVar aggregate classification (germline): Uncertain significance (1 of 4 stars; one submission).

Conditions:
Hearing impairment. Also called: Impaired Hearing. Identifiers: MedGen C1384666, MONDO:0005365, HP:0000365.

Allele frequency attached by ClinVar (database versions not stated): gnomAD exomes below 0.00001; gnomAD 0.00001.
gnomAD v4.1: 2 of 1,614,218 alleles (0.00012%); highest among the groups gnomAD compares: Non-Finnish European, 0.000085%; no homozygotes.

Submission:

Department of Otolaryngology – Head & Neck Surgery, Cochlear Implant Center
Classification: Uncertain significance for Hearing impairment. Last evaluated: 2021-04-12. Review status: criteria provided, single submitter. Criteria: ClinGen HL ACMG Specifications v1. Collection method: clinical testing. Allele origin: germline. Affected: yes.
Comment: PM2_Moderate, PP3_Supporting

NM_004086.3(COCH):c.1163A>G (p.Glu388Gly)

Genes: COCH-AS1 (COCH antisense RNA 1; minus strand), COCH (cochlin; plus strand). Cytogenetic location: 14q12.
Variant type: single nucleotide variant.
Coding change: c.1163A>G on transcript NM_004086.3 (MANE Select); coding-DNA position 1163, A replaced by G.
Protein change: p.Glu388Gly; replaces glutamic acid 388 with glycine.
Molecular consequence: missense variant. On other transcripts: non-coding transcript variant (1).
Genome position (GRCh38, 1-based): chr14:30,885,998, A>G. VCF-style: chr14-30885998-A-G. GRCh37 (hg19) VCF-style: chr14-31355204-A-G.
Other names: c.1163A>G, p.Glu388Gly (NM_001135058.2); c.1358A>G, p.Glu453Gly (NM_001347720.2); short protein forms E388G, E453G.
Identifiers: ClinVar variation 1064999 (VCV001064999.3), dbSNP rs1703098416, ClinGen allele CA389348416.